The following is an entry in ClinVar:

ClinVar aggregate classification (germline): Uncertain significance. Review status: criteria provided, multiple submitters, no conflicts (2 of 4 stars). 2 submissions from 2 submitters: Uncertain significance (2). Last evaluated 2022-10-18.

Allele frequency attached by ClinVar (database versions not stated): ExAC 0.00001; gnomAD 0.00001; gnomAD exomes 0.00001 and 0.00003; TOPMed 0.00001.
gnomAD v4.1: 7 of 1,614,096 alleles (0.00043%); highest among the groups gnomAD compares: Admixed American, 0.012%; no homozygotes.

Submissions (2):

Labcorp Genetics (formerly Invitae), Labcorp
Classification: Uncertain significance. Last evaluated: 2022-10-18. Review status: criteria provided, single submitter. Criteria: Invitae Variant Classification Sherloc (09022015). Collection method: clinical testing. Allele origin: germline.
Comment: This sequence change replaces aspartic acid, which is acidic and polar, with histidine, which is basic and polar, at codon 100 of the TMPRSS3 protein (p.Asp100His). This variant is present in population databases (rs397517374, gnomAD 0.02%). This variant has not been reported in the literature in individuals affected with TMPRSS3-related conditions. ClinVar contains an entry for this variant (Variation ID: 46110). Advanced modeling of protein sequence and biophysical properties (such as structural, functional, and spatial information, amino acid conservation, physicochemical variation, residue mobility, and thermodynamic stability) has been performed at Invitae for this missense variant, however the output from this modeling did not meet the statistical confidence thresholds required to predict the impact of this variant on TMPRSS3 protein function. In summary, the available evidence is currently insufficient to determine the role of this variant in disease. Therefore, it has been classified as a Variant of Uncertain Significance.

Laboratory for Molecular Medicine, Mass General Brigham Personalized Medicine
Classification: Uncertain significance. Last evaluated: 2015-10-10. Review status: criteria provided, single submitter. Criteria: LMM Criteria. Collection method: clinical testing. Allele origin: germline. Observed: 2 variant alleles.
Comment: It has also been identified in 1/11568 Latino chromosomes by the Exome Aggregation Consortium (ExAC; dbSNP rs397517374). Computatio nal prediction tools and conservation analysis suggest that the p.Asp100His vari ant may not impact the protein, though this information is not predictive enough to rule out pathogenicity. In summary, the clinical significance of the p.Asp10 0His variant is uncertain.

NM_001256317.3(TMPRSS3):c.298G>C (p.Asp100His)

Gene: TMPRSS3 (transmembrane serine protease 3; minus strand). Cytogenetic location: 21q22.3.
Variant type: single nucleotide variant.
Coding change: c.298G>C on transcript NM_001256317.3 (MANE Select); coding-DNA position 298, G replaced by C.
Protein change: p.Asp100His; replaces aspartic acid 100 with histidine.
Molecular consequence: missense variant. On other transcripts: 5 prime UTR variant (1).
Genome position (GRCh38, 1-based): chr21:42,388,953, C>G on the plus strand (G>C on the coding strand, the complement: TMPRSS3 is on the minus strand). VCF-style: chr21-42388953-C-G. GRCh37 (hg19) VCF-style: chr21-43809062-C-G.
Other names: c.298G>C, p.Asp100His (NM_024022.4, NM_032405.2); c.-84G>C (NM_032404.3); short protein forms D100H.
Identifiers: ClinVar variation 46110 (VCV000046110.7), dbSNP rs397517374, ClinGen allele CA137702.